The following is an entry in ClinVar:

ClinVar aggregate classification (germline): Uncertain significance. Review status: criteria provided, multiple submitters, no conflicts (2 of 4 stars). 2 submissions from 2 submitters: Uncertain significance (2). Last evaluated 2024-04-05.

Conditions:
Hereditary spastic paraplegia 11. Also called: Spastic paraplegia, mental retardation and thin corpus callosum; Nakamura Osame syndrome; Autosomal recessive hereditary spastic paraplegia, mental impairment, and thin corpus callosum; SPASTIC PARAPLEGIA, AUTOSOMAL RECESSIVE, COMPLICATED, WITH THIN CORPUS CALLOSUM; SPASTIC PARAPLEGIA, AUTOSOMAL RECESSIVE, WITH MENTAL IMPAIRMENT AND THIN CORPUS CALLOSUM; Spastic Paraplegia 11. Identifiers: Orphanet 2822, MedGen C1858479, MONDO:0011445, OMIM 604360.

Allele frequency attached by ClinVar (database versions not stated): gnomAD exomes below 0.00001 and 0.00002; ExAC 0.00001.
gnomAD v4.1: 26 of 1,614,120 alleles (0.0016%); highest among the groups gnomAD compares: Non-Finnish European, 0.0022%; no homozygotes.

Submissions (2):

GeneDx
Classification: Uncertain significance. Last evaluated: 2024-04-05. Review status: criteria provided, single submitter. Criteria: GeneDx Variant Classification Process June 2021. Collection method: clinical testing. Allele origin: germline. Affected: yes.
Comment: Not observed at significant frequency in large population cohorts (gnomAD); In silico analysis indicates that this missense variant does not alter protein structure/function; Has not been previously published as pathogenic or benign to our knowledge

Labcorp Genetics (formerly Invitae), Labcorp
Classification: Uncertain significance for Hereditary spastic paraplegia 11. Last evaluated: 2021-08-13. Review status: criteria provided, single submitter. Criteria: Invitae Variant Classification Sherloc (09022015). Collection method: clinical testing. Allele origin: germline.
Comment: This sequence change replaces aspartic acid with asparagine at codon 317 of the SPG11 protein (p.Asp317Asn). The aspartic acid residue is moderately conserved and there is a small physicochemical difference between aspartic acid and asparagine. This variant is present in population databases (rs773433816, ExAC 0.001%). This variant has not been reported in the literature in individuals affected with SPG11-related conditions. Algorithms developed to predict the effect of missense changes on protein structure and function are either unavailable or do not agree on the potential impact of this missense change (SIFT: "Deleterious"; PolyPhen-2: "Benign"; Align-GVGD: "Class C0"). In summary, the available evidence is currently insufficient to determine the role of this variant in disease. Therefore, it has been classified as a Variant of Uncertain Significance.

NM_025137.4(SPG11):c.949G>A (p.Asp317Asn)

Gene: SPG11 (SPG11 vesicle trafficking associated, spatacsin; minus strand). Cytogenetic location: 15q21.1.
Variant type: single nucleotide variant.
Coding change: c.949G>A on transcript NM_025137.4 (MANE Select); coding-DNA position 949, G replaced by A.
Protein change: p.Asp317Asn; replaces aspartic acid 317 with asparagine.
Molecular consequence: missense variant.
Genome position (GRCh38, 1-based): chr15:44,652,187, C>T on the plus strand (G>A on the coding strand, the complement: SPG11 is on the minus strand). VCF-style: chr15-44652187-C-T. GRCh37 (hg19) VCF-style: chr15-44944385-C-T.
Other names: c.949G>A, p.Asp317Asn (NM_001160227.2); short protein forms D317N.
Identifiers: ClinVar variation 836635 (VCV000836635.8), dbSNP rs773433816, ClinGen allele CA7535670.